The following is an entry in ClinVar:

NM_198129.4(LAMA3):c.6497A>T (p.Asp2166Val)

Gene: LAMA3 (laminin subunit alpha 3; plus strand). Cytogenetic location: 18q11.2.
Variant type: single nucleotide variant.
Coding change: c.6497A>T on transcript NM_198129.4 (MANE Select); coding-DNA position 6497, A replaced by T.
Protein change: p.Asp2166Val; replaces aspartic acid 2166 with valine.
Molecular consequence: missense variant.
Genome position (GRCh38, 1-based): chr18:23,904,576, A>T. VCF-style: chr18-23904576-A-T. GRCh37 (hg19) VCF-style: chr18-21484540-A-T.
Other names: c.1670A>T, p.Asp557Val (NM_000227.6); c.6329A>T, p.Asp2110Val (NM_001127717.4); c.1502A>T, p.Asp501Val (NM_001127718.4); short protein forms D2166V, D2110V, D557V, D501V.
Identifiers: ClinVar variation 2182435 (VCV002182435.4), dbSNP rs2511411872, ClinGen allele CA402050346.

ClinVar aggregate classification (germline): Uncertain significance (1 of 4 stars; one submission).

Submission:

Labcorp Genetics (formerly Invitae), Labcorp
Classification: Uncertain significance. Last evaluated: 2023-10-09. Review status: criteria provided, single submitter. Criteria: Invitae Variant Classification Sherloc (09022015). Collection method: clinical testing. Allele origin: germline.
Comment: This sequence change replaces aspartic acid, which is acidic and polar, with valine, which is neutral and non-polar, at codon 557 of the LAMA3 protein (p.Asp557Val). This variant is not present in population databases (gnomAD no frequency). This variant has not been reported in the literature in individuals affected with LAMA3-related conditions. ClinVar contains an entry for this variant (Variation ID: 2182435). An algorithm developed to predict the effect of missense changes on protein structure and function (PolyPhen-2) suggests that this variant is likely to be disruptive. In summary, the available evidence is currently insufficient to determine the role of this variant in disease. Therefore, it has been classified as a Variant of Uncertain Significance.